The following is an entry in ClinVar:

NM_130839.5(UBE3A):c.1953_1954del (p.His652fs)

Genes: SNHG14 (small nucleolar RNA host gene 14; plus strand), UBE3A (ubiquitin protein ligase E3A; minus strand). Cytogenetic location: 15q11.2.
Variant type: Microsatellite.
Coding change: c.1953_1954del on transcript NM_130839.5 (MANE Select); coding-DNA positions 1953 to 1954, 2 bases deleted (TC; older notation c.1953_1954delTC).
Protein change: p.His652fs; shifts the reading frame from histidine 652.
Molecular consequence: frameshift variant. On other transcripts: non-coding transcript variant (1).
Genome position (GRCh38, 1-based): chr15:25,356,696-25,356,697, GA deleted on the plus strand (TC on the coding strand, the reverse complement: UBE3A is on the minus strand); deleting any 2 consecutive bases within chr15:25,356,696-25,356,700 gives the same sequence; the c. name uses the placement nearest the transcript's 3' end. VCF-style (leftmost placement, unchanged base first): chr15-25356695-TGA-T. GRCh37 (hg19) VCF-style: chr15-25601842-TGA-T.
Other names: c.1962_1963del, p.His655fs (NM_000462.5); c.1953_1954del, p.His652fs (NM_001354505.1, NM_001354538.2, NM_001354545.2); c.1893_1894del, p.His632fs (NM_001354506.2, NM_001354507.2, NM_001354508.2 and 17 more transcripts); c.1776_1777del, p.His593fs (NM_001354546.2); c.702_703del, p.His235fs (NM_001354550.2); c.642_643del, p.His215fs (NM_001354551.2); short protein forms H632fs, H652fs, H655fs, H215fs, H593fs, H235fs.
Identifiers: ClinVar variation 265385 (VCV000265385.3), dbSNP rs886039516, ClinGen allele CA10588580.
Genomic context (GRCh38, chr15:25,356,695, plus strand): 5'-TTTTGCATTTAAATAAAATCTAAGAGACTGAATTAAAAAAATGACAAAGAACTTACTGGG[TGA>T]GAGTCTCCCAAGTCACGAAAAGTTCCTTTTTTCCCCATTAGCTTCCTGTAGACAACCATG-3'

ClinVar aggregate classification (germline): Pathogenic. Review status: criteria provided, multiple submitters, no conflicts (2 of 4 stars). 2 submissions from 2 submitters: Pathogenic (2). Last evaluated 2015-12-04.

Conditions:
Angelman syndrome (AS). Also called: HAPPY PUPPET SYNDROME. Identifiers: Orphanet 72, MedGen C0162635, MONDO:0007113, OMIM 105830. Disease mechanism: loss of function. Inheritance: imprinting disorder, AS is caused by disruption of maternally imprinted UBE3A located within the 15q11.2-q13 Angelman syndrome/Prader-Willi syndrome (AS/PWS) region..

Submissions (2):

GeneDx
Classification: Pathogenic. Last evaluated: 2015-12-04. Review status: criteria provided, single submitter. Criteria: GeneDx Variant Classification (06012015). Collection method: clinical testing. Allele origin: germline. Affected: yes.
Comment: The c.1893_1894delTC pathogenic variant in the UBE3A gene has been reported previously as a de novo variant in an individual with features of Angelman syndrome (Camprubi et al., 2009). The deletion causes a frameshift starting with codon Histidine 632, changes this amino acid to a Proline residue and creates a premature Stop codon at position 14 of the new reading frame, denoted p.His632ProfsX14. This pathogenic variant is predicted to cause loss of normal protein function either through protein truncation or nonsense-mediated mRNA decay.

Neuberg Centre For Genomic Medicine, NCGM
Classification: Pathogenic for Angelman syndrome. Review status: criteria provided, single submitter. Criteria: ACMG Guidelines, 2015. Collection method: clinical testing. Allele origin: germline. Inheritance: Autosomal dominant inheritance. Affected: yes.
Comment: The frameshift c.1953_1954del variant in UBE3A gene has been reported previously in heterozygous state in individuals affected with Angelman syndrome Sadikovic et al., 2014. This variant is novel not in any individuals in gnomAD Exomes and 1000 Genomes. This variant has been reported to the ClinVar database as Pathogenic. This variant causes a frameshift starting with codon Histidine 652, changes this amino acid to Proline residue, and creates a premature Stop codon at position 14 of the new reading frame, denoted p.His652ProfsTer14. This variant is predicted to cause loss of normal protein function through protein truncation. Loss of function variants have been previously reported to be disease causing Sadikovic et al., 2014. For these reasons, this variant has been classified as Pathogenic.